The following is an entry in ClinVar:

NM_001042492.3(NF1):c.6705-20T>A

Gene: NF1 (neurofibromin 1; plus strand). Cytogenetic location: 17q11.2.
Variant type: single nucleotide variant.
Coding change: c.6705-20T>A on transcript NM_001042492.3 (MANE Select); 20 bases into the intron before coding-DNA position 6705, T replaced by A.
Molecular consequence: intron variant.
Genome position (GRCh38, 1-based): chr17:31,338,005, T>A. VCF-style: chr17-31338005-T-A. GRCh37 (hg19) VCF-style: chr17-29665023-T-A.
Other names: c.6642-20T>A (NM_000267.4).
Identifiers: ClinVar variation 4860912 (VCV004860912.1).
Genomic context (GRCh38, chr17:31,338,005, plus strand): 5'-TATGATCAATGTTATAATTTATTATTTAGTATATATAAACACAAAGGTTTTTATAAGTTC[T>A]GTGGATCTTTTAATTGCAGATTTGCATTCCAATATAATCCATCCCTGCAACCAAGAGCTC-3'

ClinVar aggregate classification (germline): Likely pathogenic (1 of 4 stars; one submission).

Conditions:
Cardiovascular phenotype. Identifiers: MedGen CN230736.
Hereditary cancer-predisposing syndrome. Also called: Neoplastic Syndromes, Hereditary; Tumor predisposition; Hereditary Cancer Syndrome; Hereditary neoplastic syndrome. Identifiers: Orphanet 140162, MedGen C0027672, MeSH D009386, MONDO:0015356.

Submission:

Ambry Genetics
Classification: Likely pathogenic for Cardiovascular phenotype; Hereditary cancer-predisposing syndrome. Last evaluated: 2026-04-22. Review status: criteria provided, single submitter. Criteria: Ambry Variant Classification Scheme 2023. Collection method: clinical testing. Allele origin: germline.
Comment: The c.6642-20T>A intronic variant results from a T to A substitution 20 nucleotides upstream from coding exon 44 in the NF1 gene. In silico splice site analysis predicts that this alteration may weaken the native splice acceptor site. RNA studies have demonstrated that this variant results in abnormal splicing in the set of samples tested (Ambry internal data). This variant was reported in individual(s) with features consistent with Neurofibromatosis type 1 (Ambry internal data). This variant is considered to be rare based on population cohorts in the Genome Aggregation Database (gnomAD). Based on the majority of available evidence to date, this variant is likely to be pathogenic.